The following is an entry in ClinVar:

ClinVar aggregate classification (germline): Uncertain significance (1 of 4 stars; one submission).

Submission:

Ambry Genetics
Classification: Uncertain significance. Last evaluated: 2025-10-09. Review status: criteria provided, single submitter. Criteria: Ambry Variant Classification Scheme 2023. Collection method: clinical testing. Allele origin: germline.
Comment: The p.Q1845L variant (also known as c.5534A>T), located in coding exon 22 of the WNK2 gene, results from an A to T substitution at nucleotide position 5534. The glutamine at codon 1845 is replaced by leucine, an amino acid with dissimilar properties. This amino acid position is conserved. In addition, this alteration is predicted to be tolerated by in silico analysis. Based on the available evidence, the clinical significance of this variant remains unclear.

NM_006648.4(WNK2):c.5534A>T (p.Gln1845Leu)

Gene: WNK2 (WNK lysine deficient protein kinase 2; plus strand). Cytogenetic location: 9q22.31.
Variant type: single nucleotide variant.
Coding change: c.5534A>T on transcript NM_006648.4 (MANE Select); coding-DNA position 5534, A replaced by T.
Protein change: p.Gln1845Leu; replaces glutamine 1845 with leucine.
Molecular consequence: missense variant.
Genome position (GRCh38, 1-based): chr9:93,292,999, A>T. VCF-style: chr9-93292999-A-T. GRCh37 (hg19) VCF-style: chr9-96055281-A-T.
Other names: c.5645A>T, p.Gln1882Leu (NM_001282394.3); short protein forms Q1845L, Q1882L.
Identifiers: ClinVar variation 4605235 (VCV004605235.1).
Genomic context (GRCh38, chr9:93,292,999, plus strand): 5'-CCCTGCCCGTGAGTGGCAGCGTGGCTGGCGACTTCGTGAAGAAGGCCACCGCCTTCCTGC[A>T]GAGGCCTTCTCGGGCCGGCTCGCTGGGCCCCGAGACACCCAGCAGGGTGGGCATGAAGGT-3'
Protein context (NP_006639.3, residues 1835-1855): DFVKKATAFL[Gln1845Leu]RPSRAGSLGP